The following is an entry in ClinVar:

ClinVar aggregate classification (germline): Uncertain significance (1 of 4 stars; one submission).

Conditions:
Hereditary cancer-predisposing syndrome. Also called: Neoplastic Syndromes, Hereditary; Tumor predisposition; Hereditary neoplastic syndrome; Hereditary Cancer Syndrome. Identifiers: Orphanet 140162, MedGen C0027672, MeSH D009386, MONDO:0015356.
Cardiovascular phenotype. Identifiers: MedGen CN230736.

Allele frequency attached by ClinVar (database versions not stated): gnomAD exomes below 0.00001.
gnomAD v4.1: 1 of 1,613,420 alleles (0.000062%); highest among the groups gnomAD compares: Non-Finnish European, 0.000085%; no homozygotes.

Submission:

Ambry Genetics
Classification: Uncertain significance for Cardiovascular phenotype; Hereditary cancer-predisposing syndrome. Last evaluated: 2023-10-22. Review status: criteria provided, single submitter. Criteria: Ambry Variant Classification Scheme 2023. Collection method: clinical testing. Allele origin: germline.
Comment: The p.H607D variant (also known as c.1819C>G), located in coding exon 16 of the LZTR1 gene, results from a C to G substitution at nucleotide position 1819. The histidine at codon 607 is replaced by aspartic acid, an amino acid with similar properties. This amino acid position is conserved. In addition, the in silico prediction for this alteration is inconclusive. Since supporting evidence is limited at this time, the clinical significance of this alteration remains unclear.

NM_006767.4(LZTR1):c.1819C>G (p.His607Asp)

Gene: LZTR1 (leucine zipper like post translational regulator 1; plus strand). Cytogenetic location: 22q11.21.
Variant type: single nucleotide variant.
Coding change: c.1819C>G on transcript NM_006767.4 (MANE Select); coding-DNA position 1819, C replaced by G.
Protein change: p.His607Asp; replaces histidine 607 with aspartic acid.
Molecular consequence: missense variant.
Genome position (GRCh38, 1-based): chr22:20,994,903, C>G. VCF-style: chr22-20994903-C-G. GRCh37 (hg19) VCF-style: chr22-21349192-C-G.
Other names: short protein forms H607D.
Identifiers: ClinVar variation 3238140 (VCV003238140.1), dbSNP rs1197801948.
Genomic context (GRCh38, chr22:20,994,903, plus strand): 5'-CTGCCTGCCTGTGCCTGTCTGCCCCAGGAGCACTGCCTGAACTTCGTGGTAAAGGAGTCC[C>G]ACTTCAACCAGGTGATCATGATGAAGGAGTTCGAGCGCCTCTCCTCTCCACTGATAGTGG-3'
Protein context (NP_006758.2, residues 597-617): HCLNFVVKES[His607Asp]FNQVIMMKEF